The following is an entry in ClinVar:

NM_001365951.3(KIF1B):c.4193C>G (p.Ala1398Gly)

Gene: KIF1B (kinesin family member 1B; plus strand). Cytogenetic location: 1p36.22.
Variant type: single nucleotide variant.
Coding change: c.4193C>G on transcript NM_001365951.3 (MANE Select); coding-DNA position 4193, C replaced by G.
Protein change: p.Ala1398Gly; replaces alanine 1398 with glycine.
Molecular consequence: missense variant.
Genome position (GRCh38, 1-based): chr1:10,361,714, C>G. VCF-style: chr1-10361714-C-G. GRCh37 (hg19) VCF-style: chr1-10421772-C-G.
Other names: c.4055C>G, p.Ala1352Gly (NM_015074.3); c.4193C>G, p.Ala1398Gly (NM_001365952.1); short protein forms A1398G, A1352G.
Identifiers: ClinVar variation 2483888 (VCV002483888.3), dbSNP rs1638428294, ClinGen allele CA338317097.

ClinVar aggregate classification (germline): Uncertain significance (1 of 4 stars; one submission).

Allele frequency attached by ClinVar (database versions not stated): gnomAD exomes below 0.00001.
gnomAD v4.1: 1 of 1,614,052 alleles (0.000062%); highest among the groups gnomAD compares: Non-Finnish European, 0.000085%; no homozygotes.

Submission:

Ambry Genetics
Classification: Uncertain significance. Last evaluated: 2024-05-25. Review status: criteria provided, single submitter. Criteria: Ambry Variant Classification Scheme 2023. Collection method: clinical testing. Allele origin: germline.
Comment: The p.A1352G variant (also known as c.4055C>G), located in coding exon 37 of the KIF1B gene, results from a C to G substitution at nucleotide position 4055. The alanine at codon 1352 is replaced by glycine, an amino acid with similar properties. This amino acid position is conserved. In addition, this alteration is predicted to be deleterious by in silico analysis. Based on the available evidence, the clinical significance of this variant remains unclear.